The following is an entry in ClinVar:

NM_000104.4(CYP1B1):c.*350C>A

Gene: CYP1B1 (cytochrome P450 family 1 subfamily B member 1; minus strand). Cytogenetic location: 2p22.2.
Variant type: single nucleotide variant.
Coding change: c.*350C>A on transcript NM_000104.4 (MANE Select); 350 bases downstream of the stop codon, C replaced by A.
Molecular consequence: 3 prime UTR variant.
Genome position (GRCh38, 1-based): chr2:38,070,372, G>T on the plus strand (C>A on the coding strand, the complement: CYP1B1 is on the minus strand). VCF-style: chr2-38070372-G-T. GRCh37 (hg19) VCF-style: chr2-38297515-G-T.
Identifiers: ClinVar variation 335944 (VCV000335944.6), dbSNP rs162562, ClinGen allele CA10615165.
Genomic context (GRCh38, chr2:38,070,372, plus strand): 5'-TCTGCATATGGGAGACCAATCTTGGATTCCCACCAAAAATGGCCTGGTTACCAAAATACT[G>T]CTTCATTCAGTAGTTTGGTGTAAGTGTTTGGGTGTATGTGTCTATATGTGCATTTTAACT-3'

ClinVar aggregate classification (germline): Benign. Review status: criteria provided, multiple submitters, no conflicts (2 of 4 stars). 3 submissions from 2 submitters: Benign (3). Last evaluated 2018-01-13.

Conditions:
Irido-corneo-trabecular dysgenesis (ASGD5). Also called: ANTERIOR SEGMENT DYSGENESIS 5. Identifiers: Orphanet 708, MedGen C0344559, MONDO:0011414, OMIM 604229, HP:0000659.
Glaucoma 3A. Also called: Glaucoma 3, primary congenital, A. Identifiers: Orphanet 98976, Orphanet 98977, MedGen C1856439, MONDO:0009277, OMIM 231300.

Allele frequency attached by ClinVar (database versions not stated): gnomAD 0.67224 and 0.68586; TOPMed 0.68058; 1000 Genomes Project 30x 0.71986; 1000 Genomes Project 0.73323; gnomAD exomes 0.78194.
gnomAD v4.1: 233,909 of 317,726 alleles (74%); highest among the groups gnomAD compares: South Asian, 90%; 89,900 homozygotes.

Submissions (3):

Illumina Laboratory Services, Illumina
Classification: Benign for Irido-corneo-trabecular dysgenesis. Last evaluated: 2018-01-13. Review status: criteria provided, single submitter. Criteria: ICSL Variant Classification Criteria 13 December 2019. Collection method: clinical testing. Allele origin: germline.
Comment: This variant was observed in the ICSL laboratory as part of a predisposition screen in an ostensibly healthy population. It had not been previously curated by ICSL or reported in the Human Gene Mutation Database (HGMD: prior to June 1st, 2018), and was therefore a candidate for classification through an automated scoring system. Utilizing variant allele frequency, disease prevalence and penetrance estimates, and inheritance mode, an automated score was calculated to assess if this variant is too frequent to cause the disease. Based on the score and internal cut-off values, a variant classified as benign is not then subjected to further curation. The score for this variant resulted in a classification of benign for this disease.

Illumina Laboratory Services, Illumina
Classification: Benign for Glaucoma 3A. Last evaluated: 2018-01-13. Review status: criteria provided, single submitter. Criteria: ICSL Variant Classification Criteria 13 December 2019. Collection method: clinical testing. Allele origin: germline.
Comment: the same text as in the submission from Illumina Laboratory Services, Illumina above.

Breakthrough Genomics
Classification: Benign. Review status: criteria provided, single submitter. Criteria: ACMG Guidelines, 2015. Collection method: not provided. Allele origin: germline. Inheritance: Autosomal recessive inheritance. Affected: yes.